The following is an entry in ClinVar:

NM_198999.3(SLC26A5):c.160C>G (p.Pro54Ala)

Gene: SLC26A5 (solute carrier family 26 member 5; minus strand). Cytogenetic location: 7q22.1.
Variant type: single nucleotide variant.
Coding change: c.160C>G on transcript NM_198999.3 (MANE Select); coding-DNA position 160, C replaced by G.
Protein change: p.Pro54Ala; replaces proline 54 with alanine.
Molecular consequence: missense variant. On other transcripts: non-coding transcript variant (5).
Genome position (GRCh38, 1-based): chr7:103,420,870, G>C on the plus strand (C>G on the coding strand, the complement: SLC26A5 is on the minus strand). VCF-style: chr7-103420870-G-C. GRCh37 (hg19) VCF-style: chr7-103061317-G-C.
Other names: c.160C>G, p.Pro54Ala (NM_001167962.2, NM_001321787.2, NM_206883.3 and 2 more transcripts); short protein forms P54A.
Identifiers: ClinVar variation 1356871 (VCV001356871.8), dbSNP rs2116721840, ClinGen allele CA368737103.

ClinVar aggregate classification (germline): Uncertain significance (1 of 4 stars; one submission).

Submission:

Labcorp Genetics (formerly Invitae), Labcorp
Classification: Uncertain significance. Last evaluated: 2022-08-23. Review status: criteria provided, single submitter. Criteria: Invitae Variant Classification Sherloc (09022015). Collection method: clinical testing. Allele origin: germline.
Comment: This sequence change replaces proline, which is neutral and non-polar, with alanine, which is neutral and non-polar, at codon 54 of the SLC26A5 protein (p.Pro54Ala). This variant is not present in population databases (gnomAD no frequency). This variant has not been reported in the literature in individuals affected with SLC26A5-related conditions. ClinVar contains an entry for this variant (Variation ID: 1356871). Advanced modeling of protein sequence and biophysical properties (such as structural, functional, and spatial information, amino acid conservation, physicochemical variation, residue mobility, and thermodynamic stability) performed at Invitae indicates that this missense variant is not expected to disrupt SLC26A5 protein function. In summary, the available evidence is currently insufficient to determine the role of this variant in disease. Therefore, it has been classified as a Variant of Uncertain Significance.